The following is an entry in ClinVar:

NM_015272.5(RPGRIP1L):c.489A>G (p.Lys163=)

Gene: RPGRIP1L (RPGRIP1 like; minus strand). Cytogenetic location: 16q12.2.
Variant type: single nucleotide variant.
Coding change: c.489A>G on transcript NM_015272.5 (MANE Select); coding-DNA position 489, A replaced by G.
Protein change: p.Lys163=; no amino-acid change (lysine 163 retained).
Molecular consequence: synonymous variant.
Genome position (GRCh38, 1-based): chr16:53,692,106, T>C on the plus strand (A>G on the coding strand, the complement: RPGRIP1L is on the minus strand). VCF-style: chr16-53692106-T-C. GRCh37 (hg19) VCF-style: chr16-53726018-T-C.
Other names: c.489A>G (NM_015272.4); c.489A>G, p.Lys163= (NM_001127897.4, NM_001308334.3, NM_001330538.2).
Identifiers: ClinVar variation 1111502 (VCV001111502.10), dbSNP rs1352245119, ClinGen allele CA495539160.
Genomic context (GRCh38, chr16:53,692,106, plus strand): 5'-TAACGTAAGCTTTGTTTTACCTTTCCTGGGGCATTCCTGTAAACCAGCATTTTCATTTGC[T>C]TTTCTACGCCCAGTGTTAATACGAGATTGTACATTATTGTATGGAGTTTGCCTGTAACCC-3'
Protein context (NP_056087.2, residues 153-173): VQSRINTGRR[Lys163=]ANENAGLQEC

ClinVar aggregate classification (germline): Likely benign. Review status: criteria provided, multiple submitters, no conflicts (2 of 4 stars). 2 submissions from 2 submitters: Likely benign (2). Last evaluated 2025-09-26.

Conditions:
RPGRIP1L-related disorder. Also called: RPGRIP1L-related condition; RPGRIP1L-related disorders. Identifiers: MedGen CN239416.
Meckel-Gruber syndrome. Also called: DYSENCEPHALIA SPLANCHNOCYSTICA; Dysencephalia splachnocystica; GRUBER SYNDROME. Identifiers: Orphanet 564, MedGen C0265215, MONDO:0018921.
Joubert syndrome. Also called: Familial aplasia of the vermis; JOUBERT-BOLTSHAUSER SYNDROME. Identifiers: Orphanet 475, MedGen C5979921, MONDO:0018772.

Allele frequency attached by ClinVar (database versions not stated): gnomAD 0.00001; TOPMed 0.00002.
gnomAD v4.1: 5 of 1,614,086 alleles (0.00031%); highest among the groups gnomAD compares: African/African-American, 0.0067%; no homozygotes.

Submissions (2):

PreventionGenetics, part of Exact Sciences
Classification: Likely benign for RPGRIP1L-related condition. Last evaluated: 2025-09-26. Review status: criteria provided, single submitter. Criteria: ACMG Guidelines, 2015. Collection method: clinical testing. Allele origin: germline.
Comment: This variant is classified as likely benign based on ACMG/AMP sequence variant interpretation guidelines (Richards et al. 2015 PMID: 25741868, with internal and published modifications).

Labcorp Genetics (formerly Invitae), Labcorp
Classification: Likely benign for Joubert syndrome; Meckel-Gruber syndrome. Last evaluated: 2024-01-25. Review status: criteria provided, single submitter. Criteria: Invitae Variant Classification Sherloc (09022015). Collection method: clinical testing. Allele origin: germline.